The following is an entry in ClinVar:

NM_001005242.3(PKP2):c.1034+1G>A

Gene: PKP2 (plakophilin 2; minus strand). Cytogenetic location: 12p11.21.
Variant type: single nucleotide variant.
Coding change: c.1034+1G>A on transcript NM_001005242.3 (MANE Select); the canonical splice donor site of the intron after coding-DNA position 1034, G replaced by A.
Molecular consequence: splice donor variant.
Genome position (GRCh38, 1-based): chr12:32,877,845, C>T on the plus strand (G>A on the coding strand, the complement: PKP2 is on the minus strand). VCF-style: chr12-32877845-C-T. GRCh37 (hg19) VCF-style: chr12-33030779-C-T.
Other names: c.1034+1G>A (NM_001407156.1, NM_001407155.1, NM_004572.4 and 2 more transcripts); c.707+1G>A (NM_001407160.1, NM_001407159.1, NM_001407158.1 and 1 more transcripts).
Identifiers: ClinVar variation 222766 (VCV000222766.4), dbSNP rs869025496, ClinGen allele CA354045.

ClinVar aggregate classification (germline): Likely pathogenic. Review status: criteria provided, multiple submitters, no conflicts (2 of 4 stars). 2 submissions from 2 submitters: Likely pathogenic (2). Last evaluated 2026-03-31.

Conditions:
Cardiovascular phenotype. Identifiers: MedGen CN230736.

Allele frequency attached by ClinVar (database versions not stated): gnomAD 0.00001; gnomAD exomes below 0.00001.
gnomAD v4.1: 2 of 1,608,230 alleles (0.00012%); highest among the groups gnomAD compares: African/African-American, 0.0013%; no homozygotes.

Submissions (2):

Ambry Genetics
Classification: Likely pathogenic for Cardiovascular phenotype. Last evaluated: 2026-03-31. Review status: criteria provided, single submitter. Criteria: Ambry Variant Classification Scheme 2023. Collection method: clinical testing. Allele origin: germline.
Comment: The c.1034+1G>A intronic variant results from a G to A substitution one nucleotide after coding exon 3 of the PKP2 gene. This variant is considered to be rare based on population cohorts in the Genome Aggregation Database (gnomAD). This nucleotide position is highly conserved in available vertebrate species. In silico splice site analysis predicts that this alteration will weaken the native splice donor site. Variants that disrupt the canonical splice site are expected to cause aberrant splicing, resulting in an abnormal protein or a transcript that is subject to nonsense-mediated mRNA decay. As such, this alteration is classified as likely pathogenic.

Women's Health and Genetics/Laboratory Corporation of America, LabCorp
Classification: Likely pathogenic for Cardiovascular phenotype. Last evaluated: 2016-08-09. Review status: criteria provided, single submitter. Criteria: LabCorp Variant Classification Summary - May 2015. Collection method: clinical testing. Allele origin: germline.
Comment: Variant summary: The PKP2 c.1034+1G>A variant involves the alteration of a conserved intronic nucleotide located at the invariable splice donor site in intron 3. Mutation taster predicts a damaging outcome for this variant. 5/5 splice prediction tools predict that this variant abrogates the splice donor site. This variant is absent in 114062 control chromosomes and has not, to our knowledge, been reported in affected individuals via publications and/or reputable databases/clinical diagnostic laboratories; nor evaluated for functional impact by in vivo/vitro studies. One diagnostic laboratory classified this variant as likely pathogenic. Taken together, this variant is classified as likely pathogenic.